The following is an entry in ClinVar:

NM_005259.3(MSTN):c.458A>G (p.Lys153Arg)

Genes: AKAP19 (A-kinase anchoring protein 19; plus strand), MSTN (myostatin; minus strand). Cytogenetic location: 2q32.2.
Variant type: single nucleotide variant.
Coding change: c.458A>G on transcript NM_005259.3 (MANE Select); coding-DNA position 458, A replaced by G.
Protein change: p.Lys153Arg; replaces lysine 153 with arginine.
Molecular consequence: missense variant.
Genome position (GRCh38, 1-based): chr2:190,060,351, T>C on the plus strand (A>G on the coding strand, the complement: MSTN is on the minus strand). VCF-style: chr2-190060351-T-C. GRCh37 (hg19) VCF-style: chr2-190925077-T-C.
Other names: c.458A>G (LRG_200t1); short protein forms K153R.
Identifiers: ClinVar variation 65688 (VCV000065688.12), dbSNP rs1805086, ClinGen allele CA345031.

ClinVar aggregate classification (germline): Benign. Review status: criteria provided, multiple submitters, no conflicts (2 of 4 stars). 5 submissions from 5 submitters: Benign (4). 1 of the submissions does not count toward it. Last evaluated 2021-06-09.

Conditions:
Myostatin-related muscle hypertrophy (MSLHP). Also called: MUSCLE HYPERTROPHY. Identifiers: Orphanet 275534, MedGen C2931112, MONDO:0013598, OMIM 614160.

Allele frequency attached by ClinVar (database versions not stated): gnomAD exomes 0.01947 and 0.02781; ExAC 0.03096; gnomAD 0.06867 and 0.07270; 1000 Genomes Project 0.07109; 1000 Genomes Project 30x 0.07527; TOPMed 0.07763; ESP Exome Variant Server 0.08051.
gnomAD v4.1: 39,524 of 1,612,488 alleles (2.5%); highest among the groups gnomAD compares: African/African-American, 20%; 1,911 homozygotes.

Submissions (9):

GeneDx
Classification: Benign. Last evaluated: 2021-06-09. Review status: criteria provided, single submitter. Criteria: GeneDx Variant Classification Process June 2021. Collection method: clinical testing. Allele origin: germline. Affected: yes.
Comment: This variant is associated with the following publications: (PMID: 25543063, 23354683, 19232494, 21283721)

Mendelics
Classification: Benign for Myostatin-related muscle hypertrophy. Last evaluated: 2019-05-28. Review status: criteria provided, single submitter. Criteria: Mendelics Assertion Criteria 2017. Collection method: clinical testing. Allele origin: unknown.

Illumina Laboratory Services, Illumina
Classification: Benign for Myostatin-related muscle hypertrophy. Last evaluated: 2017-04-27. Review status: criteria provided, single submitter. Criteria: ICSL Variant Classification Criteria 13 December 2019. Collection method: clinical testing. Allele origin: germline.
Comment: This variant was observed as part of a predisposition screen in an ostensibly healthy population. A literature search was performed for the gene, cDNA change, and amino acid change (where applicable). Publications were found based on this search. The evidence from the literature, in combination with allele frequency data from public databases where available, was sufficient to rule this variant out of causing disease. Therefore, this variant is classified as benign.

Breakthrough Genomics
Classification: Benign. Review status: criteria provided, single submitter. Criteria: ACMG Guidelines, 2015. Collection method: not provided. Allele origin: germline. Inheritance: Autosomal recessive inheritance. Affected: yes.

Dr. Peter K. Rogan Lab, Western University
No classification provided (evidence only). Condition: Melanoma. Review status: no classification provided. Collection method: in vitro. Allele origin: not applicable. Functional consequence: retained intron. Not counted in ClinVar's aggregate classification.

Dr. Peter K. Rogan Lab, Western University
No classification provided (evidence only). Condition: Adrenocortical carcinoma, hereditary. Review status: no classification provided. Collection method: in vitro. Allele origin: not applicable. Functional consequence: retained intron. Not counted in ClinVar's aggregate classification.

Dr. Peter K. Rogan Lab, Western University
No classification provided (evidence only). Condition: Adrenocortical carcinoma, hereditary. Review status: no classification provided. Collection method: in vitro. Allele origin: not applicable. Functional consequence: retained intron. Not counted in ClinVar's aggregate classification.

Dr. Peter K. Rogan Lab, Western University
No classification provided (evidence only). Condition: Malignant tumor of esophagus. Review status: no classification provided. Collection method: in vitro. Allele origin: not applicable. Functional consequence: retained intron. Not counted in ClinVar's aggregate classification.

GeneReviews
No classification provided. Condition: Myostatin-related muscle hypertrophy. Review status: no classification provided. Collection method: literature only. Allele origin: unknown. Not counted in ClinVar's aggregate classification.

Literature cited by the submitters: PubMed 21283721 (cited by Illumina Laboratory Services, Illumina); PubMed 19232494 (cited by Illumina Laboratory Services, Illumina); PubMed 20301671 (cited by GeneReviews); NCBI Bookshelf NBK1498 (cited by GeneReviews).